The following is an entry in ClinVar:

NM_181523.3(PIK3R1):c.202G>A (p.Asp68Asn)

Gene: PIK3R1 (phosphoinositide-3-kinase regulatory subunit 1; plus strand). Cytogenetic location: 5q13.1.
Variant type: single nucleotide variant.
Coding change: c.202G>A on transcript NM_181523.3 (MANE Select); coding-DNA position 202, G replaced by A.
Protein change: p.Asp68Asn; replaces aspartic acid 68 with asparagine.
Molecular consequence: missense variant.
Genome position (GRCh38, 1-based): chr5:68,226,877, G>A. VCF-style: chr5-68226877-G-A. GRCh37 (hg19) VCF-style: chr5-67522705-G-A.
Other names: short protein forms D68N.
Identifiers: ClinVar variation 463164 (VCV000463164.10), dbSNP rs755043940, ClinGen allele CA3289945.

ClinVar aggregate classification (germline): Uncertain significance. Review status: criteria provided, single submitter (1 of 4 stars). 2 submissions from 2 submitters: Uncertain significance (1). 1 of the submissions does not count toward it. Last evaluated 2017-06-21.

Conditions:
Activated PI3K-delta syndrome. Identifiers: Orphanet 397596, MedGen C3714976, MONDO:0018338.
Agammaglobulinemia 7, autosomal recessive (AGM7). Also called: AGAMMAGLOBULINEMIA, AUTOSOMAL RECESSIVE, DUE TO PIK3R1 DEFECT. Identifiers: MedGen C3554689, MONDO:0014083, OMIM 615214.
SHORT syndrome. Also called: LIPODYSTROPHY, PARTIAL, WITH RIEGER ANOMALY AND SHORT STATURE; PIK3R1-Related SHORT Syndrome; SHORT STATURE, HYPEREXTENSIBILITY, HERNIA, OCULAR DEPRESSION, RIEGER ANOMALY, AND TEETHING DELAY. Identifiers: Orphanet 3163, MedGen C0878684, MONDO:0010026, OMIM 269880.
Immunodeficiency 36 with lymphoproliferation. Also called: ACTIVATED PI3K-DELTA SYNDROME 2; Immunodeficiency 36; Activated PI3K Delta Syndrome Type 2 (APDS2). Identifiers: Orphanet 397596, Orphanet 693681, MedGen C4014934, MONDO:0014453, OMIM 616005.

gnomAD v4.1: 5 of 1,614,064 alleles (0.00031%); highest among the groups gnomAD compares: Admixed American, 0.0067%; no homozygotes.

Submissions (2):

Labcorp Genetics (formerly Invitae), Labcorp
Classification: Uncertain significance for SHORT syndrome; Immunodeficiency 36 with lymphoproliferation; Agammaglobulinemia 7, autosomal recessive. Last evaluated: 2017-06-21. Review status: criteria provided, single submitter. Criteria: Invitae Variant Classification Sherloc (09022015). Collection method: clinical testing. Allele origin: germline.
Comment: Algorithms developed to predict the effect of missense changes on protein structure and function do not agree on the potential impact of this missense change (SIFT: "Deleterious"; PolyPhen-2: "Probably Damaging"; Align-GVGD: "Class C0"). This variant has not been reported in the literature in individuals with PIK3R1-related disease. This variant is present in population databases (rs755043940, ExAC 0.009%). This sequence change replaces aspartic acid with asparagine at codon 68 of the PIK3R1 protein (p.Asp68Asn). The aspartic acid residue is highly conserved and there is a small physicochemical difference between aspartic acid and asparagine. In summary, the available evidence is currently insufficient to determine the role of this variant in disease. Therefore, it has been classified as a Variant of Uncertain Significance.

Immunology Clinic, Ucla
Classification: Likely benign for Activated PI3K-delta syndrome. Review status: no assertion criteria provided. Collection method: research. Allele origin: germline, not applicable. Affected: yes. Not counted in ClinVar's aggregate classification.
Comment: The PIK3R1 c.202G>A (p.Asp68Asn) variant results in a missense substitution of aspartic acid to asparagine at codon 68. This residue is not within a known critical functional domain of the PIK3R1 protein. The variant is extremely rare, with a gnomAD allele frequency of 0.00000342, consistent with a benign classification for rare disorders. Immune profiling revealed T follicular helper (TFH) cells at 15.7%, which falls within the normal range, while transitional B cells were elevated at 22.7%. Although this increase may indicate some immune deviation, it is not specific for PIK3R1-associated disease and was not accompanied by activation of the mTOR signaling pathway, suggesting intact PI3K pathway regulation. Computational predictions provide mixed but non-concerning evidence: REVEL classifies the variant as Benign Moderate (0.295), and AlphaMissense yields an Uncertain score (0.4969), which does not support pathogenicity. There are no published studies linking this variant to disease. Taking into account the normal mTOR signaling, largely unremarkable immune profile, rarity of the variant, and benign computational support, this is best classified as Likely Benign

Literature cited by the submitters: PubMed 31031754 (cited by Immunology Clinic, Ucla).